The following is an entry in ClinVar:

ClinVar aggregate classification (germline): Uncertain significance (1 of 4 stars; one submission).

Submission:

GeneDx
Classification: Uncertain significance. Last evaluated: 2020-02-13. Review status: criteria provided, single submitter. Criteria: GeneDx Variant Classification Process June 2021. Collection method: clinical testing. Allele origin: germline. Affected: yes.
Comment: Not observed in large population cohorts (Lek et al., 2016); In silico analysis, which includes splice predictors and evolutionary conservation, suggests this variant may impact gene splicing. In the absence of RNA/functional studies, the actual effect of this sequence change is unknown.; Has not been previously published as pathogenic or benign to our knowledge

NM_001197104.2(KMT2A):c.2724G>C (p.Val908=)

Gene: KMT2A (lysine methyltransferase 2A; plus strand). Cytogenetic location: 11q23.3.
Variant type: single nucleotide variant.
Coding change: c.2724G>C on transcript NM_001197104.2 (MANE Select); coding-DNA position 2724, G replaced by C.
Protein change: p.Val908=; no amino-acid change (valine 908 retained).
Molecular consequence: synonymous variant.
Genome position (GRCh38, 1-based): chr11:118,473,883, G>C. VCF-style: chr11-118473883-G-C. GRCh37 (hg19) VCF-style: chr11-118344598-G-C.
Other names: c.2724G>C, p.Val908= (NM_005933.4).
Identifiers: ClinVar variation 1315410 (VCV001315410.2), dbSNP rs2134271327, ClinGen allele CA477358767.